The following is an entry in ClinVar:

ClinVar aggregate classification (germline): Uncertain significance (1 of 4 stars; one submission).

Conditions:
Generalized epilepsy-paroxysmal dyskinesia syndrome (PNKD3). Also called: Generalized epilepsy and paroxysmal dyskinesia; Paroxysmal nonkinesigenic dyskinesia, 3, with or without generalized epilepsy. Identifiers: Orphanet 79137, MedGen C5574945, MONDO:0012276, OMIM 609446.

Submission:

Labcorp Genetics (formerly Invitae), Labcorp
Classification: Uncertain significance for Generalized epilepsy-paroxysmal dyskinesia syndrome. Last evaluated: 2023-06-15. Review status: criteria provided, single submitter. Criteria: Invitae Variant Classification Sherloc (09022015). Collection method: clinical testing. Allele origin: germline.
Comment: This variant has not been reported in the literature in individuals affected with KCNMA1-related conditions. In summary, the available evidence is currently insufficient to determine the role of this variant in disease. Therefore, it has been classified as a Variant of Uncertain Significance. Experimental studies and prediction algorithms are not available or were not evaluated, and the functional significance of this variant is currently unknown. ClinVar contains an entry for this variant (Variation ID: 2147113). This variant is not present in population databases (gnomAD no frequency). This sequence change replaces glycine, which is neutral and non-polar, with aspartic acid, which is acidic and polar, at codon 15 of the KCNMA1 protein (p.Gly15Asp).

NM_001161352.2(KCNMA1):c.44G>A (p.Gly15Asp)

Gene: KCNMA1 (potassium calcium-activated channel subfamily M alpha 1; minus strand). Cytogenetic location: 10q22.3.
Variant type: single nucleotide variant.
Coding change: c.44G>A on transcript NM_001161352.2 (MANE Select); coding-DNA position 44, G replaced by A.
Protein change: p.Gly15Asp; replaces glycine 15 with aspartic acid.
Molecular consequence: missense variant.
Genome position (GRCh38, 1-based): chr10:77,637,599, C>T on the plus strand (G>A on the coding strand, the complement: KCNMA1 is on the minus strand). VCF-style: chr10-77637599-C-T. GRCh37 (hg19) VCF-style: chr10-79397357-C-T.
Other names: c.44G>A, p.Gly15Asp (NM_001014797.3, NM_001161353.2, NM_001271518.2 and 13 more transcripts); short protein forms G15D.
Identifiers: ClinVar variation 2147113 (VCV002147113.4), dbSNP rs2093899892, ClinGen allele CA377412883.